The following is an entry in ClinVar:

ClinVar aggregate classification (germline): Uncertain significance (1 of 4 stars; one submission).

Conditions:
Catecholaminergic polymorphic ventricular tachycardia 1. Also called: VENTRICULAR TACHYCARDIA, STRESS-INDUCED POLYMORPHIC 1; RYR2-Related Catecholaminergic Polymorphic Ventricular Tachycardia; VENTRICULAR TACHYCARDIA, CATECHOLAMINERGIC POLYMORPHIC, 1, WITH OR WITHOUT ATRIAL DYSFUNCTION AND/OR DILATED CARDIOMYOPATHY. Identifiers: Orphanet 3286, MedGen C1631597, MONDO:0011484, OMIM 604772.

Submission:

Labcorp Genetics (formerly Invitae), Labcorp
Classification: Uncertain significance for Catecholaminergic polymorphic ventricular tachycardia 1. Last evaluated: 2023-05-05. Review status: criteria provided, single submitter. Criteria: Invitae Variant Classification Sherloc (09022015). Collection method: clinical testing. Allele origin: germline.
Comment: This variant has not been reported in the literature in individuals affected with RYR2-related conditions. In summary, the available evidence is currently insufficient to determine the role of this variant in disease. Therefore, it has been classified as a Variant of Uncertain Significance. Advanced modeling of protein sequence and biophysical properties (such as structural, functional, and spatial information, amino acid conservation, physicochemical variation, residue mobility, and thermodynamic stability) performed at Invitae indicates that this missense variant is expected to disrupt RYR2 protein function. This variant is not present in population databases (gnomAD no frequency). This sequence change replaces leucine, which is neutral and non-polar, with phenylalanine, which is neutral and non-polar, at codon 1644 of the RYR2 protein (p.Leu1644Phe).

NM_001035.3(RYR2):c.4932G>C (p.Leu1644Phe)

Gene: RYR2 (ryanodine receptor 2; plus strand). Cytogenetic location: 1q43.
Variant type: single nucleotide variant.
Coding change: c.4932G>C on transcript NM_001035.3 (MANE Select); coding-DNA position 4932, G replaced by C.
Protein change: p.Leu1644Phe; replaces leucine 1644 with phenylalanine.
Molecular consequence: missense variant.
Genome position (GRCh38, 1-based): chr1:237,614,060, G>C. VCF-style: chr1-237614060-G-C. GRCh37 (hg19) VCF-style: chr1-237777360-G-C.
Other names: short protein forms L1644F.
Identifiers: ClinVar variation 2860296 (VCV002860296.3), dbSNP rs1157887258, ClinGen allele CA345403499.